The following is an entry in ClinVar:

NM_003579.4(RAD54L):c.1568C>T (p.Thr523Ile)

Gene: RAD54L (RAD54 like; plus strand). Cytogenetic location: 1p34.1.
Variant type: single nucleotide variant.
Coding change: c.1568C>T on transcript NM_003579.4 (MANE Select); coding-DNA position 1568, C replaced by T.
Protein change: p.Thr523Ile; replaces threonine 523 with isoleucine.
Molecular consequence: missense variant.
Genome position (GRCh38, 1-based): chr1:46,273,705, C>T. VCF-style: chr1-46273705-C-T. GRCh37 (hg19) VCF-style: chr1-46739377-C-T.
Other names: c.1568C>T, p.Thr523Ile (NM_001142548.2); c.1028C>T, p.Thr343Ile (NM_001370766.1); short protein forms T523I, T343I.
Identifiers: ClinVar variation 3429808 (VCV003429808.1).

ClinVar aggregate classification (germline): Uncertain significance (1 of 4 stars; one submission).

Submission:

Ambry Genetics
Classification: Uncertain significance. Last evaluated: 2024-08-19. Review status: criteria provided, single submitter. Criteria: Ambry Variant Classification Scheme 2023. Collection method: clinical testing. Allele origin: germline.
Comment: The p.T523I variant (also known as c.1568C>T), located in coding exon 14 of the RAD54L gene, results from a C to T substitution at nucleotide position 1568. The threonine at codon 523 is replaced by isoleucine, an amino acid with similar properties. This amino acid position is conserved. In addition, this alteration is predicted to be deleterious by in silico analysis. Based on the available evidence, the clinical significance of this variant remains unclear.